The following is an entry in ClinVar:

ClinVar aggregate classification (germline): Pathogenic. Review status: reviewed by expert panel (3 of 4 stars). 2 submissions from 2 submitters: Pathogenic (1). 1 of the submissions does not count toward it. Last evaluated 2016-10-18.

Conditions:
Breast-ovarian cancer, familial, susceptibility to, 2 (BROVCA2). Also called: BRCA2 Hereditary Breast and Ovarian Cancer. Identifiers: Orphanet 145, MedGen C2675520, MONDO:0012933, OMIM 612555. Disease mechanism: loss of function.

Submissions (2):

Evidence-based Network for the Interpretation of Germline Mutant Alleles (ENIGMA)
Classification: Pathogenic for Breast-ovarian cancer, familial, susceptibility to, 2. Last evaluated: 2016-10-18. Review status: reviewed by expert panel. Criteria: ENIGMA BRCA1/2 Classification Criteria (2015). Collection method: curation. Allele origin: germline.
Comment: Variant allele predicted to encode a truncated non-functional protein.

Consortium of Investigators of Modifiers of BRCA1/2 (CIMBA), c/o University of Cambridge
Classification: Pathogenic for Breast-ovarian cancer, familial, susceptibility to, 2. Last evaluated: 2015-10-02. Review status: criteria provided, single submitter. Criteria: CIMBA Mutation Classification guidelines May 2016. Collection method: clinical testing. Allele origin: germline. Not counted in ClinVar's aggregate classification.

NM_000059.4(BRCA2):c.471_472insA (p.Ser158fs)

Gene: BRCA2 (BRCA2 DNA repair associated; plus strand). Cytogenetic location: 13q13.1.
Variant type: Insertion.
Coding change: c.471_472insA on transcript NM_000059.4 (MANE Select); coding-DNA positions 471 to 472, A inserted.
Protein change: p.Ser158fs; shifts the reading frame from serine 158.
Molecular consequence: frameshift variant.
Genome position: GRCh38 VCF-style: chr13-32326146-G-GA. GRCh37 (hg19) VCF-style: chr13-32900283-G-GA.
Other names: 699_700insA; short protein forms S158fs.
Identifiers: ClinVar variation 266828 (VCV000266828.5), dbSNP rs886040546, ClinGen allele CA10589029.